The following is an entry in ClinVar:

ClinVar aggregate classification (germline): Likely pathogenic (1 of 4 stars; one submission).

Conditions:
Early-infantile DEE. Also called: Early infantile epileptic encephalopathy; Early infantile epileptic encephalopathy with suppression bursts; Ohtahara syndrome. Identifiers: Orphanet 1934, MedGen C0393706, MONDO:0800491.

Submission:

Labcorp Genetics (formerly Invitae), Labcorp
Classification: Likely pathogenic for Early-infantile DEE. Last evaluated: 2023-07-09. Review status: criteria provided, single submitter. Criteria: Invitae Variant Classification Sherloc (09022015). Collection method: clinical testing. Allele origin: germline.
Comment: This variant has not been reported in the literature in individuals affected with SCN1A-related conditions. This variant is not present in population databases (gnomAD no frequency). This sequence change replaces threonine, which is neutral and polar, with proline, which is neutral and non-polar, at codon 812 of the SCN1A protein (p.Thr812Pro). Advanced modeling of protein sequence and biophysical properties (such as structural, functional, and spatial information, amino acid conservation, physicochemical variation, residue mobility, and thermodynamic stability) performed at Invitae indicates that this missense variant is expected to disrupt SCN1A protein function. In summary, the currently available evidence indicates that the variant is pathogenic, but additional data are needed to prove that conclusively. Therefore, this variant has been classified as Likely Pathogenic. This variant disrupts the p.Thr812 amino acid residue in SCN1A. Other variant(s) that disrupt this residue have been determined to be pathogenic (PMID: 17054684). This suggests that this residue is clinically significant, and that variants that disrupt this residue are likely to be disease-causing.

Literature cited by the submitters: PubMed 17054684.

NM_001165963.4(SCN1A):c.2434A>C (p.Thr812Pro)

Gene: SCN1A (sodium voltage-gated channel alpha subunit 1; minus strand). Cytogenetic location: 2q24.3.
Variant type: single nucleotide variant.
Coding change: c.2434A>C on transcript NM_001165963.4 (MANE Select); coding-DNA position 2434, A replaced by C.
Protein change: p.Thr812Pro; replaces threonine 812 with proline.
Molecular consequence: missense variant. On other transcripts: 5 prime UTR variant (1), non-coding transcript variant (1).
Genome position (GRCh38, 1-based): chr2:166,039,578, T>G on the plus strand (A>C on the coding strand, the complement: SCN1A is on the minus strand). VCF-style: chr2-166039578-T-G. GRCh37 (hg19) VCF-style: chr2-166896088-T-G.
Other names: c.2350A>C, p.Thr784Pro (NM_001165964.3, NM_001353957.2, NM_001353958.2); c.2434A>C, p.Thr812Pro (NM_001202435.3, NM_001353948.2); c.2401A>C, p.Thr801Pro (NM_001353949.2, NM_001353950.2, NM_001353951.2 and 2 more transcripts); c.2398A>C, p.Thr800Pro (NM_001353954.2, NM_001353955.2); c.2347A>C, p.Thr783Pro (NM_001353960.2); c.-9A>C (NM_001353961.2); short protein forms T812P, T784P, T800P, T801P, T783P.
Identifiers: ClinVar variation 2729711 (VCV002729711.3), dbSNP rs2468115612, ClinGen allele CA349062756.